The following is an entry in ClinVar:

ClinVar aggregate classification (germline): Pathogenic (1 of 4 stars; one submission).

Conditions:
Charcot-Marie-Tooth disease, type I (CMT1). Also called: Charcot-Marie-Tooth disease type 1; Charcot-Marie-Tooth, Type 1. Identifiers: Orphanet 65753, MedGen C0751036, MONDO:0019011.

Submission:

Labcorp Genetics (formerly Invitae), Labcorp
Classification: Pathogenic for Charcot-Marie-Tooth disease, type I. Last evaluated: 2025-07-22. Review status: criteria provided, single submitter. Criteria: Invitae Variant Classification Sherloc (09022015). Collection method: clinical testing. Allele origin: germline.
Comment: This sequence change creates a premature translational stop signal (p.Trp39Cysfs*31) in the PMP22 gene. It is expected to result in an absent or disrupted protein product. Loss-of-function variants in PMP22 are known to be pathogenic (PMID: 23224996). This variant is not present in population databases (gnomAD no frequency). This variant has not been reported in the literature in individuals affected with PMP22-related conditions. ClinVar contains an entry for this variant (Variation ID: 1452083). For these reasons, this variant has been classified as Pathogenic.

Literature cited by the submitters: PubMed 23224996.

NM_000304.4(PMP22):c.117del (p.Trp39fs)

Gene: PMP22 (peripheral myelin protein 22; minus strand). Cytogenetic location: 17p12.
Variant type: Deletion.
Coding change: c.117del on transcript NM_000304.4 (MANE Select); coding-DNA position 117, one base deleted (G; older notation c.117delG).
Protein change: p.Trp39fs; shifts the reading frame from tryptophan 39.
Molecular consequence: frameshift variant. On other transcripts: non-coding transcript variant (1).
Genome position (GRCh38, 1-based): chr17:15,259,155, C deleted on the plus strand (G on the coding strand, the reverse complement: PMP22 is on the minus strand); the first of 2 consecutive C bases (chr17:15,259,155-15,259,156); deleting either gives the same sequence. VCF-style (leftmost placement, unchanged base first): chr17-15259154-GC-G. GRCh37 (hg19) VCF-style: chr17-15162471-GC-G.
Other names: c.117del, p.Trp39fs (NM_001281455.2, NM_001281456.2, NM_001330143.2 and 2 more transcripts); short protein forms W39fs.
Identifiers: ClinVar variation 1452083 (VCV001452083.6), dbSNP rs1482355069, ClinGen allele CA726413453.